The following is an entry in ClinVar:

ClinVar aggregate classification (germline): Uncertain significance (1 of 4 stars; one submission).

Conditions:
CEP164-related disorder. Also called: CEP164-related condition.

gnomAD v4.1: 2 of 1,610,398 alleles (0.00012%); highest among the groups gnomAD compares: East Asian, 0.0045%; no homozygotes.

Submission:

PreventionGenetics, part of Exact Sciences
Classification: Uncertain significance for CEP164-related condition. Last evaluated: 2025-02-21. Review status: criteria provided, single submitter. Criteria: ACMG Guidelines, 2015. Collection method: clinical testing. Allele origin: germline.
Comment: The CEP164 c.2308C>A variant is predicted to result in the amino acid substitution p.His770Asn. To our knowledge, this variant has not been reported in the literature or in a large population database (gnomAD), indicating this variant is rare. At this time, the clinical significance of this variant is uncertain due to the absence of conclusive functional and genetic evidence.

NM_014956.5(CEP164):c.2308C>A (p.His770Asn)

Gene: CEP164 (centrosomal protein 164; plus strand). Cytogenetic location: 11q23.3.
Variant type: single nucleotide variant.
Coding change: c.2308C>A on transcript NM_014956.5 (MANE Select); coding-DNA position 2308, C replaced by A.
Protein change: p.His770Asn; replaces histidine 770 with asparagine.
Molecular consequence: missense variant.
Genome position (GRCh38, 1-based): chr11:117,392,250, C>A. VCF-style: chr11-117392250-C-A. GRCh37 (hg19) VCF-style: chr11-117262966-C-A.
Other names: c.2317C>A, p.His773Asn (NM_001271933.2, NM_001440949.1); c.2308C>A, p.His770Asn (NM_001440950.1, NM_001440951.1, NM_001440953.1); c.2143C>A, p.His715Asn (NM_001440952.1, NM_001440968.1, NM_001440969.1); c.2230C>A, p.His744Asn (NM_001440954.1, NM_001440955.1, NM_001440958.1 and 1 more transcripts); c.2221C>A, p.His741Asn (NM_001440956.1, NM_001440957.1); c.2179C>A, p.His727Asn (NM_001440960.1); c.2170C>A, p.His724Asn (NM_001440961.1, NM_001440967.1); c.2161C>A, p.His721Asn (NM_001440962.1, NM_001440963.1, NM_001440964.1 and 4 more transcripts); and 7 more; short protein forms H674N, H700N, H717N, H721N, H773N, H625N, H645N, H695N.
Identifiers: ClinVar variation 4997529 (VCV004997529.1).